The following is an entry in ClinVar:

NM_001923.5(DDB1):c.74C>T (p.Ser25Leu)

Gene: DDB1 (damage specific DNA binding protein 1; minus strand). Cytogenetic location: 11q12.2.
Variant type: single nucleotide variant.
Coding change: c.74C>T on transcript NM_001923.5 (MANE Select); coding-DNA position 74, C replaced by T.
Protein change: p.Ser25Leu; replaces serine 25 with leucine.
Molecular consequence: missense variant.
Genome position (GRCh38, 1-based): chr11:61,331,679, G>A on the plus strand (C>T on the coding strand, the complement: DDB1 is on the minus strand). VCF-style: chr11-61331679-G-A. GRCh37 (hg19) VCF-style: chr11-61099151-G-A.
Other names: short protein forms S25L.
Identifiers: ClinVar variation 3053257 (VCV003053257.2), dbSNP rs35597036, ClinGen allele CA6033495.

ClinVar aggregate classification (germline): Likely benign (0 of 4 stars; one submission).

Conditions:
DDB1-related disorder. Also called: DDB1-related condition.

Allele frequency attached by ClinVar (database versions not stated): TOPMed 0.00034; ESP Exome Variant Server 0.00038; gnomAD 0.00043; gnomAD exomes 0.00049; ExAC 0.00099.
gnomAD v4.1: 805 of 1,614,040 alleles (0.05%); highest among the groups gnomAD compares: Non-Finnish European, 0.049%; 3 homozygotes.

Submission:

PreventionGenetics, part of Exact Sciences
Classification: Likely benign for DDB1-related condition. Last evaluated: 2023-01-17. Review status: no assertion criteria provided. Collection method: clinical testing. Allele origin: germline.
Comment: This variant is classified as likely benign based on ACMG/AMP sequence variant interpretation guidelines (Richards et al. 2015 PMID: 25741868, with internal and published modifications).